The following is an entry in ClinVar:

ClinVar aggregate classification (germline): Uncertain significance (1 of 4 stars; one submission).

Submission:

Labcorp Genetics (formerly Invitae), Labcorp
Classification: Uncertain significance. Last evaluated: 2023-08-23. Review status: criteria provided, single submitter. Criteria: Invitae Variant Classification Sherloc (09022015). Collection method: clinical testing. Allele origin: germline.
Comment: Advanced modeling of protein sequence and biophysical properties (such as structural, functional, and spatial information, amino acid conservation, physicochemical variation, residue mobility, and thermodynamic stability) performed at Invitae indicates that this missense variant is expected to disrupt POLE protein function. This variant has not been reported in the literature in individuals affected with POLE-related conditions. This variant is not present in population databases (gnomAD no frequency). This sequence change replaces valine, which is neutral and non-polar, with glycine, which is neutral and non-polar, at codon 1105 of the POLE protein (p.Val1105Gly). In summary, the available evidence is currently insufficient to determine the role of this variant in disease. Therefore, it has been classified as a Variant of Uncertain Significance.

NM_006231.4(POLE):c.3314T>G (p.Val1105Gly)

Gene: POLE (DNA polymerase epsilon, catalytic subunit; minus strand). Cytogenetic location: 12q24.33.
Variant type: single nucleotide variant.
Coding change: c.3314T>G on transcript NM_006231.4 (MANE Select); coding-DNA position 3314, T replaced by G.
Protein change: p.Val1105Gly; replaces valine 1105 with glycine.
Molecular consequence: missense variant.
Genome position (GRCh38, 1-based): chr12:132,657,932, A>C on the plus strand (T>G on the coding strand, the complement: POLE is on the minus strand). VCF-style: chr12-132657932-A-C. GRCh37 (hg19) VCF-style: chr12-133234518-A-C.
Other names: short protein forms V1105G.
Identifiers: ClinVar variation 2728912 (VCV002728912.3), dbSNP rs2542008401, ClinGen allele CA387389724.